The following is an entry in ClinVar:

ClinVar aggregate classification (germline): Uncertain significance. Review status: criteria provided, single submitter (1 of 4 stars). 2 submissions from 2 submitters: Uncertain significance (1). 1 of the submissions does not count toward it. Last evaluated 2021-09-01.

Conditions:
Autosomal recessive polycystic kidney disease (ARPKD). Also called: AR polycystic kidney disease. Identifiers: Orphanet 731, Orphanet 8378, MedGen C0085548, MeSH D017044, MONDO:0009889.

Allele frequency attached by ClinVar (database versions not stated): gnomAD exomes below 0.00001; TOPMed below 0.00001.
gnomAD v4.1: 1 of 1,610,026 alleles (0.000062%); highest among the groups gnomAD compares: Non-Finnish European, 0.000085%; no homozygotes.

Submissions (2):

Labcorp Genetics (formerly Invitae), Labcorp
Classification: Uncertain significance for Autosomal recessive polycystic kidney disease. Last evaluated: 2021-09-01. Review status: criteria provided, single submitter. Criteria: Invitae Variant Classification Sherloc (09022015). Collection method: clinical testing. Allele origin: germline.
Comment: This sequence change falls in intron 40 of the PKHD1 gene. It does not directly change the encoded amino acid sequence of the PKHD1 protein. It affects a nucleotide within the consensus splice site of the intron. This variant is not present in population databases (ExAC no frequency). This variant has not been reported in the literature in individuals affected with PKHD1-related conditions. ClinVar contains an entry for this variant (Variation ID: 458604). Variants that disrupt the consensus splice site are a relatively common cause of aberrant splicing (PMID: 17576681, 9536098). Algorithms developed to predict the effect of sequence changes on RNA splicing suggest that this variant is not likely to affect RNA splicing. In summary, the available evidence is currently insufficient to determine the role of this variant in disease. Therefore, it has been classified as a Variant of Uncertain Significance.

Natera, Inc.
Classification: Uncertain significance for Autosomal recessive polycystic kidney disease. Last evaluated: 2019-02-11. Review status: no assertion criteria provided. Collection method: clinical testing. Allele origin: germline. Not counted in ClinVar's aggregate classification.

Literature cited by the submitters: PubMed 17576681 (cited by Labcorp Genetics (formerly Invitae), Labcorp); PubMed 9536098 (cited by Labcorp Genetics (formerly Invitae), Labcorp).

NM_138694.4(PKHD1):c.6683-3C>T

Gene: PKHD1 (PKHD1 ciliary IPT domain containing fibrocystin/polyductin; minus strand). Cytogenetic location: 6p12.2.
Variant type: single nucleotide variant.
Coding change: c.6683-3C>T on transcript NM_138694.4 (MANE Select); 3 bases into the intron before coding-DNA position 6683, C replaced by T.
Molecular consequence: intron variant.
Genome position (GRCh38, 1-based): chr6:51,906,343, G>A on the plus strand (C>T on the coding strand, the complement: PKHD1 is on the minus strand). VCF-style: chr6-51906343-G-A. GRCh37 (hg19) VCF-style: chr6-51771141-G-A.
Other names: c.6683-3C>T (NM_170724.3).
Identifiers: ClinVar variation 458604 (VCV000458604.12), dbSNP rs1554300531, ClinGen allele CA658657599.
Genomic context (GRCh38, chr6:51,906,343, plus strand): 5'-CACATGCTGAGGCCTCTACTGAAGGAGTTCCTCACTGTGCAGCCCTGTATGAAAGACTCT[G>A]AATAGGAAAGAGTAAAGTAAAAATTAGATATGGCTCCTGAGATTCTGTTGACCATATTTA-3'